The following is an entry in ClinVar:

ClinVar aggregate classification (germline): Uncertain significance. Review status: criteria provided, multiple submitters, no conflicts (2 of 4 stars). 4 submissions from 4 submitters: Uncertain significance (4). Last evaluated 2025-12-04.

Conditions:
RYR1-related disorder. Also called: RYR1-related condition; RYR1-related disorders. Identifiers: MedGen CN239331.
Malignant hyperthermia, susceptibility to, 1 (MHS1). Also called: RYR1-Related Malignant Hyperthermia Susceptibility; Malignant hyperthermia suceptibility 1; Anesthesia related hyperthermia; Malignant hyperpyrexia; Fulminating hyperpyrexia; Pharmacogenic myopathy. Identifiers: Orphanet 423, MedGen C2930980, MONDO:0007783, OMIM 145600.

Allele frequency attached by ClinVar (database versions not stated): TOPMed 0.00001; gnomAD 0.00003; ESP Exome Variant Server 0.00008.
gnomAD v4.1: 12 of 1,613,324 alleles (0.00074%); highest among the groups gnomAD compares: Non-Finnish European, 0.001%; no homozygotes.

Submissions (4):

Women's Health and Genetics/Laboratory Corporation of America, LabCorp
Classification: Uncertain significance. Last evaluated: 2025-12-04. Review status: criteria provided, single submitter. Criteria: LabCorp Variant Classification Summary - May 2015. Collection method: clinical testing. Allele origin: germline.
Comment: Variant summary: RYR1 c.2987C>T (p.Ala996Val) results in a non-conservative amino acid change in the encoded protein sequence. Algorithms developed to predict the effect of missense changes on protein structure and function all suggest that this variant is likely to be disruptive. The variant allele was found at a frequency of 1.2e-05 in 249080 control chromosomes. The available data on variant occurrences in the general population are insufficient to allow any conclusion about variant significance. c.2987C>T has been observed in an individual from an idiopathic ventricular fibrillation cohort (Visser_2017). This report does not provide unequivocal conclusions about association of the variant with Congenital multicore myopathy with external ophthalmoplegia. To our knowledge, no experimental evidence demonstrating an impact on protein function has been reported. The following publication has been ascertained in the context of this evaluation (PMID: 28087426). ClinVar contains an entry for this variant (Variation ID: 2138284). Based on the evidence outlined above, the variant was classified as uncertain significance.

Color Diagnostics, LLC DBA Color Health
Classification: Uncertain significance for Malignant hyperthermia, susceptibility to, 1. Last evaluated: 2025-09-09. Review status: criteria provided, single submitter. Criteria: ACMG Guidelines, 2015. Collection method: clinical testing. Allele origin: germline.
Comment: This missense variant replaces alanine with valine at codon 996 of the RYR1 protein. Computational prediction suggests that this variant may have deleterious impact on protein structure and function. To our knowledge, functional studies have not been reported for this variant. This variant has not been reported in individuals affected with RYR1-related disorders in the literature. This variant has been identified in 4/280462 chromosomes in the general population by the Genome Aggregation Database (gnomAD). The available evidence is insufficient to determine the role of this variant in disease conclusively. Therefore, this variant is classified as a Variant of Uncertain Significance.

Labcorp Genetics (formerly Invitae), Labcorp
Classification: Uncertain significance for RYR1-related disorder. Last evaluated: 2023-12-11. Review status: criteria provided, single submitter. Criteria: Invitae Variant Classification Sherloc (09022015). Collection method: clinical testing. Allele origin: germline.
Comment: This sequence change replaces alanine, which is neutral and non-polar, with valine, which is neutral and non-polar, at codon 996 of the RYR1 protein (p.Ala996Val). The frequency data for this variant in the population databases is considered unreliable, as metrics indicate poor data quality at this position in the gnomAD database. This variant has not been reported in the literature in individuals affected with RYR1-related conditions. ClinVar contains an entry for this variant (Variation ID: 2138284). Advanced modeling of protein sequence and biophysical properties (such as structural, functional, and spatial information, amino acid conservation, physicochemical variation, residue mobility, and thermodynamic stability) performed at Invitae indicates that this missense variant is expected to disrupt RYR1 protein function with a positive predictive value of 95%. In summary, the available evidence is currently insufficient to determine the role of this variant in disease. Therefore, it has been classified as a Variant of Uncertain Significance.

All of Us Research Program, National Institutes of Health
Classification: Uncertain significance for Malignant hyperthermia, susceptibility to, 1. Last evaluated: 2023-11-30. Review status: criteria provided, single submitter. Criteria: ACMG Guidelines, 2015. Collection method: clinical testing. Allele origin: germline. Inheritance: Autosomal dominant inheritance. Observed: 5 variant alleles, 5 heterozygotes.
Comment: This missense variant replaces alanine with valine at codon 996 of the RYR1 protein. Computational prediction suggests that this variant may have deleterious impact on protein structure and function (internally defined REVEL score threshold >= 0.7, PMID: 27666373). To our knowledge, functional studies have not been reported for this variant. This variant has not been reported in individuals affected with RYR1-related disorders in the literature. This variant has been identified in 4/280462 chromosomes in the general population by the Genome Aggregation Database (gnomAD). The available evidence is insufficient to determine the role of this variant in disease conclusively. Therefore, this variant is classified as a Variant of Uncertain Significance.

This study involves interpretation of variants in research participants for the purpose of population health screening. Participant phenotype was not available at the time of variant classification. Additional details can be found in publication PMID: 35346344, PMCID: PMC8962531

Literature cited by the submitters: PubMed 28087426 (cited by Women's Health and Genetics/Laboratory Corporation of America, LabCorp).

NM_000540.3(RYR1):c.2987C>T (p.Ala996Val)

Gene: RYR1 (ryanodine receptor 1; plus strand). Cytogenetic location: 19q13.2.
Variant type: single nucleotide variant.
Coding change: c.2987C>T on transcript NM_000540.3 (MANE Select); coding-DNA position 2987, C replaced by T.
Protein change: p.Ala996Val; replaces alanine 996 with valine.
Molecular consequence: missense variant.
Genome position (GRCh38, 1-based): chr19:38,466,207, C>T. VCF-style: chr19-38466207-C-T. GRCh37 (hg19) VCF-style: chr19-38956847-C-T.
Other names: c.2987C>T, p.Ala996Val (NM_001042723.2); short protein forms A996V.
Identifiers: ClinVar variation 2138284 (VCV002138284.5), dbSNP rs367860207, ClinGen allele CA308075960.